The following is an entry in ClinVar:

NM_000384.3(APOB):c.2630C>G (p.Pro877Arg)

Gene: APOB (apolipoprotein B; minus strand). Cytogenetic location: 2p24.1.
Variant type: single nucleotide variant.
Coding change: c.2630C>G on transcript NM_000384.3 (MANE Select); coding-DNA position 2630, C replaced by G.
Protein change: p.Pro877Arg; replaces proline 877 with arginine.
Molecular consequence: missense variant.
Genome position (GRCh38, 1-based): chr2:21,023,017, G>C on the plus strand (C>G on the coding strand, the complement: APOB is on the minus strand). VCF-style: chr2-21023017-G-C. GRCh37 (hg19) VCF-style: chr2-21245889-G-C.
Other names: short protein forms P877R.
Identifiers: ClinVar variation 928353 (VCV000928353.5), dbSNP rs12714097, ClinGen allele CA056945.

ClinVar aggregate classification (germline): Uncertain significance. Review status: criteria provided, multiple submitters, no conflicts (2 of 4 stars). 2 submissions from 2 submitters: Uncertain significance (2). Last evaluated 2024-06-10.

Conditions:
Familial hypobetalipoproteinemia 1. Also called: Hypobetalipoproteinemia, normotriglyceridemic; Acanthocytosis with hypobetalipoproteinemia; APOB-Related Familial Hypobetalipoproteinemia. Identifiers: MedGen C4551990, MONDO:0014252, OMIM 615558.
Hypercholesterolemia, autosomal dominant, type B (FHCL2). Also called: Familial Hypercholesterolemia Type B; Familial hypercholesterolemia 2; Hyperlipoproteinemia Type IIb; HYPERCHOLESTEROLEMIA, FAMILIAL, DUE TO LIGAND-DEFECTIVE APOLIPOPROTEIN B; APOLIPOPROTEIN B-100, FAMILIAL DEFECTIVE; APOLIPOPROTEIN B-100, FAMILIAL LIGAND-DEFECTIVE. Identifiers: MedGen C1704417, MONDO:0007751, OMIM 144010.

gnomAD v4.1: 13 of 1,614,096 alleles (0.00081%); highest among the groups gnomAD compares: Non-Finnish European, 0.0011%; no homozygotes.

Submissions (2):

Blueprint Genetics
Classification: Uncertain significance. Last evaluated: 2024-06-10. Review status: criteria provided, single submitter. Criteria: ACMG Guidelines, 2015. Collection method: clinical testing. Allele origin: germline.

Labcorp Genetics (formerly Invitae), Labcorp
Classification: Uncertain significance for Familial hypobetalipoproteinemia 1; Hypercholesterolemia, autosomal dominant, type B. Last evaluated: 2022-02-22. Review status: criteria provided, single submitter. Criteria: Invitae Variant Classification Sherloc (09022015). Collection method: clinical testing. Allele origin: germline.
Comment: This sequence change replaces proline, which is neutral and non-polar, with arginine, which is basic and polar, at codon 877 of the APOB protein (p.Pro877Arg). This variant is present in population databases (rs12714097, gnomAD 0.0009%). This variant has not been reported in the literature in individuals affected with APOB-related conditions. ClinVar contains an entry for this variant (Variation ID: 928353). Algorithms developed to predict the effect of missense changes on protein structure and function are either unavailable or do not agree on the potential impact of this missense change (SIFT: "Deleterious"; PolyPhen-2: "Probably Damaging"; Align-GVGD: "Class C0"). In summary, the available evidence is currently insufficient to determine the role of this variant in disease. Therefore, it has been classified as a Variant of Uncertain Significance.